The following is an entry in ClinVar:

NM_001367624.2(ZNF469):c.994C>A (p.Pro332Thr)

Gene: ZNF469 (zinc finger protein 469; plus strand). Cytogenetic location: 16q24.2.
Variant type: single nucleotide variant.
Coding change: c.994C>A on transcript NM_001367624.2 (MANE Select); coding-DNA position 994, C replaced by A.
Protein change: p.Pro332Thr; replaces proline 332 with threonine.
Molecular consequence: missense variant.
Genome position (GRCh38, 1-based): chr16:88,428,464, C>A. VCF-style: chr16-88428464-C-A. GRCh37 (hg19) VCF-style: chr16-88494872-C-A.
Other names: NM_001127464.1:c.994C>A; short protein forms P332T.
Identifiers: ClinVar variation 1768689 (VCV001768689.2), dbSNP rs1597206314, ClinGen allele CA397062541.

ClinVar aggregate classification (germline): Uncertain significance (1 of 4 stars; one submission).

Conditions:
Cardiovascular phenotype. Identifiers: MedGen CN230736.

Submission:

Ambry Genetics
Classification: Uncertain significance for Cardiovascular phenotype. Last evaluated: 2022-05-24. Review status: criteria provided, single submitter. Criteria: Ambry Variant Classification Scheme 2023. Collection method: clinical testing. Allele origin: germline.
Comment: The p.P332T variant (also known as c.994C>A), located in coding exon 1 of the ZNF469 gene, results from a C to A substitution at nucleotide position 994. The proline at codon 332 is replaced by threonine, an amino acid with highly similar properties. This amino acid position is conserved. In addition, this alteration is predicted to be tolerated by in silico analysis. Since supporting evidence is limited at this time, the clinical significance of this alteration remains unclear.